The following is an entry in ClinVar:

ClinVar aggregate classification (germline): Uncertain significance (1 of 4 stars; one submission).

Conditions:
Familial cancer of breast. Also called: hereditary breast carcinoma; Hereditary breast cancer; BREAST CANCER, FAMILIAL. Identifiers: Orphanet 227535, MedGen C0346153, MONDO:0016419, OMIM 114480. Disease mechanism: loss of function.

Submission:

Labcorp Genetics (formerly Invitae), Labcorp
Classification: Uncertain significance for Familial cancer of breast. Last evaluated: 2024-02-23. Review status: criteria provided, single submitter. Criteria: Invitae Variant Classification Sherloc (09022015). Collection method: clinical testing. Allele origin: germline.
Comment: This sequence change replaces isoleucine, which is neutral and non-polar, with leucine, which is neutral and non-polar, at codon 441 of the BARD1 protein (p.Ile441Leu). This variant is not present in population databases (gnomAD no frequency). This variant has not been reported in the literature in individuals affected with BARD1-related conditions. An algorithm developed to predict the effect of missense changes on protein structure and function (PolyPhen-2) suggests that this variant is likely to be tolerated. In summary, the available evidence is currently insufficient to determine the role of this variant in disease. Therefore, it has been classified as a Variant of Uncertain Significance.

NM_000465.4(BARD1):c.1321A>C (p.Ile441Leu)

Gene: BARD1 (BRCA1 associated RING domain 1; minus strand). Cytogenetic location: 2q35.
Variant type: single nucleotide variant.
Coding change: c.1321A>C on transcript NM_000465.4 (MANE Select); coding-DNA position 1321, A replaced by C.
Protein change: p.Ile441Leu; replaces isoleucine 441 with leucine.
Molecular consequence: missense variant. On other transcripts: non-coding transcript variant (3), intron variant (3).
Genome position (GRCh38, 1-based): chr2:214,769,306, T>G on the plus strand (A>C on the coding strand, the complement: BARD1 is on the minus strand). VCF-style: chr2-214769306-T-G. GRCh37 (hg19) VCF-style: chr2-215634030-T-G.
Other names: c.1264A>C, p.Ile422Leu (NM_001282543.2); c.159-16751A>C (NM_001282548.2); c.216-16751A>C (NM_001282545.2); c.364+22991A>C (NM_001282549.2); short protein forms I422L, I441L.
Identifiers: ClinVar variation 3642842 (VCV003642842.2).